The following is an entry in ClinVar:

ClinVar aggregate classification (germline): Likely benign. Review status: criteria provided, single submitter (1 of 4 stars). 2 submissions from 2 submitters: Likely benign (1). 1 of the submissions does not count toward it. Last evaluated 2023-03-28.

Conditions:
Primary ciliary dyskinesia. Also called: Ciliary dyskinesia. Identifiers: Orphanet 244, MedGen C0008780, MONDO:0016575, HP:0012265.
DNAI1-related disorder. Also called: DNAI1-related condition.

Allele frequency attached by ClinVar (database versions not stated): gnomAD exomes below 0.00001 and 0.00001; TOPMed 0.00001; gnomAD 0.00003.
gnomAD v4.1: 7 of 1,614,044 alleles (0.00043%); highest among the groups gnomAD compares: Admixed American, 0.005%; no homozygotes.

Submissions (2):

Labcorp Genetics (formerly Invitae), Labcorp
Classification: Likely benign for Primary ciliary dyskinesia. Last evaluated: 2023-03-28. Review status: criteria provided, single submitter. Criteria: Invitae Variant Classification Sherloc (09022015). Collection method: clinical testing. Allele origin: germline.

PreventionGenetics, part of Exact Sciences
Classification: Likely benign for DNAI1-related condition. Last evaluated: 2019-07-01. Review status: no assertion criteria provided. Collection method: clinical testing. Allele origin: germline. Not counted in ClinVar's aggregate classification.
Comment: This variant is classified as likely benign based on ACMG/AMP sequence variant interpretation guidelines (Richards et al. 2015 PMID: 25741868, with internal and published modifications).

NM_012144.4(DNAI1):c.633C>T (p.Cys211=)

Gene: DNAI1 (dynein axonemal intermediate chain 1; plus strand). Cytogenetic location: 9p13.3.
Variant type: single nucleotide variant.
Coding change: c.633C>T on transcript NM_012144.4 (MANE Select); coding-DNA position 633, C replaced by T.
Protein change: p.Cys211=; no amino-acid change (cysteine 211 retained).
Molecular consequence: synonymous variant.
Genome position (GRCh38, 1-based): chr9:34,491,506, C>T. VCF-style: chr9-34491506-C-T. GRCh37 (hg19) VCF-style: chr9-34491504-C-T.
Other names: c.645C>T, p.Cys215= (NM_001281428.2).
Identifiers: ClinVar variation 771647 (VCV000771647.11), dbSNP rs1021425002, ClinGen allele CA192630720.